The following is an entry in ClinVar:

NM_006455.3(P3H4):c.459C>T (p.Phe153=)

Gene: P3H4 (prolyl 3-hydroxylase family member 4 (inactive); minus strand). Cytogenetic location: 17q21.2.
Variant type: single nucleotide variant.
Coding change: c.459C>T on transcript NM_006455.3 (MANE Select); coding-DNA position 459, C replaced by T.
Protein change: p.Phe153=; no amino-acid change (phenylalanine 153 retained).
Molecular consequence: synonymous variant.
Genome position (GRCh38, 1-based): chr17:41,811,457, G>A on the plus strand (C>T on the coding strand, the complement: P3H4 is on the minus strand). VCF-style: chr17-41811457-G-A. GRCh37 (hg19) VCF-style: chr17-39967709-G-A.
Identifiers: ClinVar variation 2647773 (VCV002647773.24), dbSNP rs199832526, ClinGen allele CA8565974.

ClinVar aggregate classification (germline): Likely benign (1 of 4 stars; one submission).

Allele frequency attached by ClinVar (database versions not stated): 1000 Genomes Project 30x 0.00031; 1000 Genomes Project 0.00040; ESP Exome Variant Server 0.00063.
gnomAD v4.1: 1,466 of 1,612,260 alleles (0.091%); highest among the groups gnomAD compares: Non-Finnish European, 0.094%; 5 homozygotes.

Submission:

CeGaT Center for Human Genetics Tuebingen
Classification: Likely benign. Last evaluated: 2022-04-01. Review status: criteria provided, single submitter. Criteria: CeGaT Center For Human Genetics Tuebingen Variant Classification Criteria Version 2. Collection method: clinical testing. Allele origin: germline. Affected: yes. Observed: 1 variant allele.
Comment: P3H4: BP4